The following is an entry in ClinVar:

ClinVar aggregate classification (germline): Uncertain significance. Review status: criteria provided, multiple submitters, no conflicts (2 of 4 stars). 2 submissions from 2 submitters: Uncertain significance (2). Last evaluated 2023-05-04.

Conditions:
Tuberous sclerosis 2 (TSC2). Identifiers: Orphanet 805, MedGen C1860707, MONDO:0013199, OMIM 613254.
Tuberous sclerosis syndrome (TSC). Also called: Tuberous Sclerosis Complex; Tuberous sclerosis. Identifiers: Orphanet 805, MedGen C0041341, MONDO:0001734.

Submissions (2):

All of Us Research Program, National Institutes of Health
Classification: Uncertain significance for Tuberous sclerosis syndrome. Last evaluated: 2023-05-04. Review status: criteria provided, single submitter. Criteria: ACMG Guidelines, 2015. Collection method: clinical testing. Allele origin: germline. Inheritance: Autosomal dominant inheritance. Observed: 1 variant allele, 1 heterozygote.
Comment: This missense variant replaces proline with serine at codon 4 of the TSC2 protein. Computational prediction suggests that this variant may not impact protein structure and function (internally defined REVEL score threshold <= 0.5, PMID: 27666373). To our knowledge, functional studies have not been reported for this variant. This variant has not been reported in individuals affected with tuberous sclerosis complex in the literature. This variant has not been identified in the general population by the Genome Aggregation Database (gnomAD). The available evidence is insufficient to determine the role of this variant in disease conclusively. Therefore, this variant is classified as a Variant of Uncertain Significance.

This study involves interpretation of variants in research participants for the purpose of population health screening. Participant phenotype was not available at the time of variant classification. Additional details can be found in publication PMID: 35346344, PMCID: PMC8962531

Labcorp Genetics (formerly Invitae), Labcorp
Classification: Uncertain significance for Tuberous sclerosis 2. Last evaluated: 2023-01-13. Review status: criteria provided, single submitter. Criteria: Invitae Variant Classification Sherloc (09022015). Collection method: clinical testing. Allele origin: germline.
Comment: In summary, the available evidence is currently insufficient to determine the role of this variant in disease. Therefore, it has been classified as a Variant of Uncertain Significance. Advanced modeling of protein sequence and biophysical properties (such as structural, functional, and spatial information, amino acid conservation, physicochemical variation, residue mobility, and thermodynamic stability) performed at Invitae indicates that this missense variant is not expected to disrupt TSC2 protein function. This variant has not been reported in the literature in individuals affected with TSC2-related conditions. This variant is not present in population databases (gnomAD no frequency). This sequence change replaces proline, which is neutral and non-polar, with serine, which is neutral and polar, at codon 4 of the TSC2 protein (p.Pro4Ser).

NM_000548.5(TSC2):c.10C>T (p.Pro4Ser)

Gene: TSC2 (TSC complex subunit 2; plus strand). Cytogenetic location: 16p13.3.
Variant type: single nucleotide variant.
Coding change: c.10C>T on transcript NM_000548.5 (MANE Select); coding-DNA position 10, C replaced by T.
Protein change: p.Pro4Ser; replaces proline 4 with serine.
Molecular consequence: missense variant. On other transcripts: 5 prime UTR variant (19), non-coding transcript variant (5), intron variant (6).
Genome position (GRCh38, 1-based): chr16:2,048,625, C>T. VCF-style: chr16-2048625-C-T. GRCh37 (hg19) VCF-style: chr16-2098626-C-T.
Other names: c.10C>T, p.Pro4Ser (NM_001363528.2, NM_001370404.1, NM_001370405.1 and 13 more transcripts); c.-1598C>T (NM_001406698.1); c.-10+560C>T (NM_001406677.1, NM_001406675.1, NM_001406676.1 and 2 more transcripts); c.-89+560C>T (NM_001406686.1); c.-1303C>T (NM_001406695.1, NM_001406694.1); c.-1410C>T (NM_001406696.1); c.-1422C>T (NM_001406697.1, NM_001406689.1, NM_001406690.1 and 2 more transcripts); c.-217C>T (NM_001318831.2, NM_001406682.1, NM_001406684.1 and 2 more transcripts); and 4 more; short protein forms P4S, P15S.
Identifiers: ClinVar variation 2916828 (VCV002916828.4), dbSNP rs2150969834, ClinGen allele CA394300537.
Genomic context (GRCh38, chr16:2,048,625, plus strand): 5'-CATTCCTGTTTCGTTTGCACAGAGGGGTTTTCTGGTGCGTCCTGGTCCACCATGGCCAAA[C>T]CAACAAGCAAAGATTCAGGCTTGAAGGAGAAGTTTAAGATTCTGTTGGGACTGGGAACAC-3'
Protein context (NP_000539.2, residues 1-14): MAK[Pro4Ser]TSKDSGLKEK